The following is an entry in ClinVar:

NM_000059.4(BRCA2):c.1666A>C (p.Asn556His)

Gene: BRCA2 (BRCA2 DNA repair associated; plus strand). Cytogenetic location: 13q13.1.
Variant type: single nucleotide variant.
Coding change: c.1666A>C on transcript NM_000059.4 (MANE Select); coding-DNA position 1666, A replaced by C.
Protein change: p.Asn556His; replaces asparagine 556 with histidine.
Molecular consequence: missense variant.
Genome position (GRCh38, 1-based): chr13:32,333,144, A>C. VCF-style: chr13-32333144-A-C. GRCh37 (hg19) VCF-style: chr13-32907281-A-C.
Other names: c.1666A>C, p.Asn556His (NM_001406719.1, NM_001406720.1, NM_001406721.1); short protein forms N556H.
Identifiers: ClinVar variation 1777568 (VCV001777568.7), dbSNP rs587781794, ClinGen allele CA387765051.

ClinVar aggregate classification (germline): Conflicting classifications of pathogenicity. Review status: criteria provided, conflicting classifications (1 of 4 stars). 3 submissions from 3 submitters: Uncertain significance (2); Likely benign (1). Last evaluated 2025-10-29.

Conditions:
Hereditary cancer-predisposing syndrome. Also called: Neoplastic Syndromes, Hereditary; Tumor predisposition; Hereditary Cancer Syndrome; Hereditary neoplastic syndrome. Identifiers: Orphanet 140162, MedGen C0027672, MeSH D009386, MONDO:0015356.
Hereditary breast ovarian cancer syndrome. Also called: Hereditary breast and ovarian cancer; Breast and ovarian cancer; Hereditary breast and/or ovarian cancer syndrome; Hereditary breast and ovarian cancer syndrome (HBOC); BRCA1- and BRCA2-Associated Hereditary Breast and Ovarian Cancer; Hereditary breast and ovarian cancer syndrome. Identifiers: Orphanet 145, MedGen C0677776, MeSH D061325, MONDO:0003582. Disease mechanism: loss of function.

Submissions (3):

Labcorp Genetics (formerly Invitae), Labcorp
Classification: Uncertain significance for Hereditary breast ovarian cancer syndrome. Last evaluated: 2025-10-29. Review status: criteria provided, single submitter. Criteria: Invitae Variant Classification Sherloc (09022015). Collection method: clinical testing. Allele origin: germline.
Comment: This sequence change replaces asparagine, which is neutral and polar, with histidine, which is basic and polar, at codon 556 of the BRCA2 protein (p.Asn556His). This variant is not present in population databases (gnomAD no frequency). This variant has not been reported in the literature in individuals affected with BRCA2-related conditions. ClinVar contains an entry for this variant (Variation ID: 1777568). Invitae Evidence Modeling of protein sequence and biophysical properties (such as structural, functional, and spatial information, amino acid conservation, physicochemical variation, residue mobility, and thermodynamic stability) indicates that this missense variant is not expected to disrupt BRCA2 protein function with a negative predictive value of 95%. In summary, the available evidence is currently insufficient to determine the role of this variant in disease. Therefore, it has been classified as a Variant of Uncertain Significance.

University of Washington Department of Laboratory Medicine, University of Washington
Classification: Likely benign for Hereditary cancer-predisposing syndrome. Last evaluated: 2023-03-23. Review status: criteria provided, single submitter. Criteria: Dines et al. (Genet Med. 2020). Collection method: curation. Allele origin: germline.
Comment: Missense variant in a coldspot region where missense variants are very unlikely to be pathogenic (PMID:31911673).

BRCA2 exon 10 coldspot. Reclassification based on statistical prior probability.

Ambry Genetics
Classification: Uncertain significance for Hereditary cancer-predisposing syndrome. Last evaluated: 2022-06-24. Review status: criteria provided, single submitter. Criteria: Ambry Variant Classification Scheme 2023. Collection method: clinical testing. Allele origin: germline.
Comment: The p.N556H variant (also known as c.1666A>C), located in coding exon 9 of the BRCA2 gene, results from an A to C substitution at nucleotide position 1666. The asparagine at codon 556 is replaced by histidine, an amino acid with similar properties. This amino acid position is conserved. In addition, this alteration is predicted to be tolerated by in silico analysis. Since supporting evidence is limited at this time, the clinical significance of this alteration remains unclear.